The following is an entry in ClinVar:

ClinVar aggregate classification (germline): Uncertain significance. Review status: criteria provided, multiple submitters, no conflicts (2 of 4 stars). 2 submissions from 2 submitters: Uncertain significance (2). Last evaluated 2024-11-10.

Allele frequency attached by ClinVar (database versions not stated): gnomAD 0.00003; ESP Exome Variant Server 0.00015.
gnomAD v4.1: 14 of 1,614,128 alleles (0.00087%); highest among the groups gnomAD compares: East Asian, 0.011%; no homozygotes.

Submissions (2):

Ambry Genetics
Classification: Uncertain significance. Last evaluated: 2024-11-10. Review status: criteria provided, single submitter. Criteria: Ambry Variant Classification Scheme 2023. Collection method: clinical testing. Allele origin: germline.

Women's Health and Genetics/Laboratory Corporation of America, LabCorp
Classification: Uncertain significance. Last evaluated: 2024-02-09. Review status: criteria provided, single submitter. Criteria: LabCorp Variant Classification Summary - May 2015. Collection method: clinical testing. Allele origin: germline.
Comment: Variant summary: DIP2B c.730C>G (p.Pro244Ala) results in a non-conservative amino acid change in the encoded protein sequence. Three of five in-silico tools predict a benign effect of the variant on protein function. The variant allele was found at a frequency of 8.7e-06 (i.e. in 14 heterozygotes) in 1,607,132 control chromosomes in the gnomAD database v4 dataset. The occurrence in several carriers suggests that this variant is likely not associated with a high penetrance, severe, early disease phenotype in heterozygous state, but association with milder, later onset phenotypes cannot be excluded. To our knowledge, no occurrence of c.730C>G in individuals affected with Intellectual Disability, FRA12A Type and no experimental evidence demonstrating its impact on protein function have been reported. No submitters have cited clinical-significance assessments for this variant to ClinVar. Based on the evidence outlined above, the variant was classified as uncertain significance.

NM_173602.3(DIP2B):c.730C>G (p.Pro244Ala)

Gene: DIP2B (disco interacting protein 2 homolog B; plus strand). Cytogenetic location: 12q13.12.
Variant type: single nucleotide variant.
Coding change: c.730C>G on transcript NM_173602.3 (MANE Select); coding-DNA position 730, C replaced by G.
Protein change: p.Pro244Ala; replaces proline 244 with alanine.
Molecular consequence: missense variant.
Genome position (GRCh38, 1-based): chr12:50,674,563, C>G. VCF-style: chr12-50674563-C-G. GRCh37 (hg19) VCF-style: chr12-51068346-C-G.
Other names: c.730C>G (NM_173602.2); short protein forms P244A.
Identifiers: ClinVar variation 3068829 (VCV003068829.3), dbSNP rs374561975, ClinGen allele CA6564320.
Genomic context (GRCh38, chr12:50,674,563, plus strand): 5'-ACAACTACCTCTTCCTCCTCATCATCTTCCTCAATTCGCCCAGCAAACATTGACCTGCCC[C>G]CCTCGGGGATAGTTAAAGGCATGCACAAAGGATCCAACAGGTCCAGCCTTATGGATACAG-3'
Protein context (NP_775873.2, residues 234-254): SIRPANIDLP[Pro244Ala]SGIVKGMHKG